The following is an entry in ClinVar:

ClinVar aggregate classification (germline): Uncertain significance (1 of 4 stars; one submission).

Conditions:
Fanconi anemia (FA). Also called: Fanconi's anemia. Identifiers: Orphanet 84, MedGen C0015625, MeSH D005199, MONDO:0019391.

Submission:

Labcorp Genetics (formerly Invitae), Labcorp
Classification: Uncertain significance for Fanconi anemia. Last evaluated: 2022-05-16. Review status: criteria provided, single submitter. Criteria: Invitae Variant Classification Sherloc (09022015). Collection method: clinical testing. Allele origin: germline.
Comment: In summary, the available evidence is currently insufficient to determine the role of this variant in disease. Therefore, it has been classified as a Variant of Uncertain Significance. Algorithms developed to predict the effect of missense changes on protein structure and function (SIFT, PolyPhen-2, Align-GVGD) all suggest that this variant is likely to be disruptive. This variant has not been reported in the literature in individuals affected with FANCC-related conditions. This variant is not present in population databases (gnomAD no frequency). This sequence change replaces phenylalanine, which is neutral and non-polar, with serine, which is neutral and polar, at codon 258 of the FANCC protein (p.Phe258Ser).

NM_000136.3(FANCC):c.773T>C (p.Phe258Ser)

Genes: AOPEP (aminopeptidase O (putative); plus strand), FANCC (FA complementation group C; minus strand). Cytogenetic location: 9q22.32.
Variant type: single nucleotide variant.
Coding change: c.773T>C on transcript NM_000136.3 (MANE Select); coding-DNA position 773, T replaced by C.
Protein change: p.Phe258Ser; replaces phenylalanine 258 with serine.
Molecular consequence: missense variant.
Genome position (GRCh38, 1-based): chr9:95,135,416, A>G on the plus strand (T>C on the coding strand, the complement: FANCC is on the minus strand). VCF-style: chr9-95135416-A-G. GRCh37 (hg19) VCF-style: chr9-97897698-A-G.
Other names: c.773T>C, p.Phe258Ser (NM_001243743.2, NM_001243744.2); short protein forms F258S.
Identifiers: ClinVar variation 1995282 (VCV001995282.4), dbSNP rs2541401047, ClinGen allele CA374109319.